The following is an entry in ClinVar:

ClinVar aggregate classification (germline): Pathogenic (1 of 4 stars; one submission).

Conditions:
Arrhythmogenic right ventricular dysplasia 11. Also called: Arrhythmogenic Right Ventricular Dysplasia/Cardiomyopathy11; ARRHYTHMOGENIC RIGHT VENTRICULAR DYSPLASIA, FAMILIAL, 11; Arrhythmogenic right ventricular dysplasia 11 with mild palmoplantar keratoderma and woolly hair. Identifiers: MedGen C1864850, MONDO:0012506, OMIM 610476.

Submission:

Labcorp Genetics (formerly Invitae), Labcorp
Classification: Pathogenic for Arrhythmogenic right ventricular dysplasia 11. Last evaluated: 2019-09-12. Review status: criteria provided, single submitter. Criteria: Invitae Variant Classification Sherloc (09022015). Collection method: clinical testing. Allele origin: germline.
Comment: This sequence change creates a premature translational stop signal (p.Tyr496Metfs*11) in the DSC2 gene. It is expected to result in an absent or disrupted protein product. For these reasons, this variant has been classified as Pathogenic. Loss-of-function variants in DSC2 are known to be pathogenic (PMID: 23911551). This variant has not been reported in the literature in individuals with DSC2-related conditions. This variant is not present in population databases (ExAC no frequency).

Literature cited by the submitters: PubMed 23911551.

NM_024422.6(DSC2):c.1486del (p.Tyr496fs)

Gene: DSC2 (desmocollin 2; minus strand). Cytogenetic location: 18q12.1.
Variant type: Deletion.
Coding change: c.1486del on transcript NM_024422.6 (MANE Select); coding-DNA position 1486, one base deleted (T; older notation c.1486delT).
Protein change: p.Tyr496fs; shifts the reading frame from tyrosine 496.
Molecular consequence: frameshift variant.
Genome position (GRCh38, 1-based): chr18:31,080,130, A deleted on the plus strand (T on the coding strand, the reverse complement: DSC2 is on the minus strand). VCF-style (leftmost placement, unchanged base first): chr18-31080129-TA-T. GRCh37 (hg19) VCF-style: chr18-28660095-TA-T.
Other names: c.1486del, p.Tyr496fs (NM_004949.5); short protein forms Y496fs.
Identifiers: ClinVar variation 956109 (VCV000956109.7), dbSNP rs1987161799, ClinGen allele CA1139665997.